The following is an entry in ClinVar:

NM_003041.4(SLC5A2):c.1830C>A (p.Cys610Ter)

Genes: RUSF1 (RUS family member 1; minus strand), SLC5A2 (solute carrier family 5 member 2; plus strand). Cytogenetic location: 16p11.2.
Variant type: single nucleotide variant.
Coding change: c.1830C>A on transcript NM_003041.4 (MANE Select); coding-DNA position 1830, C replaced by A.
Protein change: p.Cys610Ter; replaces cysteine 610 with a stop codon.
Molecular consequence: nonsense. On other transcripts: 3 prime UTR variant (1), non-coding transcript variant (1).
Genome position (GRCh38, 1-based): chr16:31,490,346, C>A. VCF-style: chr16-31490346-C-A. GRCh37 (hg19) VCF-style: chr16-31501667-C-A.
Other names: c.*489G>T (NM_022744.4); short protein forms C610*.
Identifiers: ClinVar variation 3256905 (VCV003256905.1).

ClinVar aggregate classification (germline): Likely pathogenic (1 of 4 stars; one submission).

Conditions:
Familial renal glucosuria (GLYS). Also called: RENAL GLUCOSURIA, AUTOSOMAL DOMINANT; Familial renal glycosuria. Identifiers: Orphanet 69076, MedGen C3245525, MONDO:0009297, OMIM 233100.

Submission:

MVZ Medizinische Genetik Mainz
Classification: Likely pathogenic for Familial renal glucosuria. Last evaluated: 2024-03-27. Review status: criteria provided, single submitter. Criteria: UK Practice Guidelines For Variant Classification V4 01 2020. Collection method: clinical testing. Allele origin: germline. Inheritance: Autosomal dominant inheritance. Affected: yes. Observed: 1 variant allele.
Comment: ACMG Criteria: PVS1_STR,PM2_SUP,PP4